The following is an entry in ClinVar:

NM_133510.4(RAD51B):c.368T>C (p.Ile123Thr)

Gene: RAD51B (RAD51 paralog B; plus strand). Cytogenetic location: 14q24.1.
Variant type: single nucleotide variant.
Coding change: c.368T>C on transcript NM_133510.4 (MANE Select); coding-DNA position 368, T replaced by C.
Protein change: p.Ile123Thr; replaces isoleucine 123 with threonine.
Molecular consequence: missense variant.
Genome position (GRCh38, 1-based): chr14:67,865,055, T>C. VCF-style: chr14-67865055-T-C. GRCh37 (hg19) VCF-style: chr14-68331772-T-C.
Other names: c.368T>C, p.Ile123Thr (NM_001321809.2, NM_001321810.2, NM_001321812.1 and 6 more transcripts); c.254T>C, p.Ile85Thr (NM_001321815.1); c.11T>C, p.Ile4Thr (NM_001321817.2); short protein forms I85T, I4T, I123T.
Identifiers: ClinVar variation 3786379 (VCV003786379.1).

ClinVar aggregate classification (germline): Uncertain significance (1 of 4 stars; one submission).

Submission:

Ambry Genetics
Classification: Uncertain significance. Last evaluated: 2024-12-15. Review status: criteria provided, single submitter. Criteria: Ambry Variant Classification Scheme 2023. Collection method: clinical testing. Allele origin: germline.
Comment: The p.I123T variant (also known as c.368T>C), located in coding exon 4 of the RAD51B gene, results from a T to C substitution at nucleotide position 368. The isoleucine at codon 123 is replaced by threonine, an amino acid with similar properties. This amino acid position is conserved. In addition, this alteration is predicted to be tolerated by in silico analysis. Based on the available evidence, the clinical significance of this variant remains unclear.